The following is an entry in ClinVar:

ClinVar aggregate classification (germline): Likely benign (1 of 4 stars; one submission).

Submission:

CeGaT Center for Human Genetics Tuebingen
Classification: Likely benign. Last evaluated: 2026-06-01. Review status: criteria provided, single submitter. Criteria: CeGaT Center For Human Genetics Tuebingen Variant Classification Criteria Version 2. Collection method: clinical testing. Allele origin: germline. Affected: yes. Observed: 1 variant allele.
Comment: CIC: PM2:Supporting, BP4, BP7

NM_001386298.1(CIC):c.1164C>T (p.Ser388=)

Gene: CIC (capicua transcriptional repressor; plus strand). Cytogenetic location: 19q13.2.
Variant type: single nucleotide variant.
Coding change: c.1164C>T on transcript NM_001386298.1 (MANE Select); coding-DNA position 1164, C replaced by T.
Protein change: p.Ser388=; no amino-acid change (serine 388 retained).
Molecular consequence: synonymous variant.
Genome position (GRCh38, 1-based): chr19:42,272,947, C>T. VCF-style: chr19-42272947-C-T. GRCh37 (hg19) VCF-style: chr19-42777099-C-T.
Other names: c.1164C>T, p.Ser388= (NM_001304815.2, NM_001379480.1, NM_001379482.1 and 6 more transcripts).
Identifiers: ClinVar variation 4873613 (VCV004873613.2).
Genomic context (GRCh38, chr19:42,272,947, plus strand): 5'-ACCCTGCCCTGCTGCCCTGGACCCCAAACAGCCCGAGGATGCTGAGGTCTCTAAGATCAG[C>T]TTTGGTGGCAACCTGGGTACTCACTGTGAGGAGGGCGAGGAGAAGCACCCTCCAGCCCTG-3'
Protein context (NP_001373227.1, residues 378-398): QPEDAEVSKI[Ser388=]FGGNLGTHCE